The following is an entry in ClinVar:

NM_006393.3(NEBL):c.1246T>G (p.Leu416Val)

Gene: NEBL (nebulette; minus strand). Cytogenetic location: 10p12.31.
Variant type: single nucleotide variant.
Coding change: c.1246T>G on transcript NM_006393.3 (MANE Select); coding-DNA position 1246, T replaced by G.
Protein change: p.Leu416Val; replaces leucine 416 with valine.
Molecular consequence: missense variant. On other transcripts: intron variant (9).
Genome position (GRCh38, 1-based): chr10:20,840,831, A>C on the plus strand (T>G on the coding strand, the complement: NEBL is on the minus strand). VCF-style: chr10-20840831-A-C. GRCh37 (hg19) VCF-style: chr10-21129760-A-C.
Other names: c.250-27891T>G (NM_001377326.1, NM_001377327.1, NM_001377328.1); c.358-27891T>G (NM_213569.2, NM_001173484.2, NM_001377322.1); c.301-27891T>G (NM_001377324.1); c.292-27891T>G (NM_001377325.1); c.310-27891T>G (NM_001377323.1); c.1246T>G (NM_006393.2); short protein forms L416V.
Identifiers: ClinVar variation 1433288 (VCV001433288.10), dbSNP rs1473800986, ClinGen allele CA376099310.

ClinVar aggregate classification (germline): Uncertain significance. Review status: criteria provided, multiple submitters, no conflicts (2 of 4 stars). 2 submissions from 2 submitters: Uncertain significance (2). Last evaluated 2025-04-08.

Conditions:
Primary dilated cardiomyopathy (DCM). Also called: Dilated Cardiomyopathy. Identifiers: Orphanet 217604, MedGen C0007193, MeSH D002311, MONDO:0005021, HP:0001644. Inheritance: Various modes of inheritance.

Allele frequency attached by ClinVar (database versions not stated): gnomAD 0.00001; TOPMed 0.00001.
gnomAD v4.1: 11 of 1,583,088 alleles (0.00069%); highest among the groups gnomAD compares: East Asian, 0.025%; no homozygotes.

Submissions (2):

Labcorp Genetics (formerly Invitae), Labcorp
Classification: Uncertain significance for Primary dilated cardiomyopathy. Last evaluated: 2025-04-08. Review status: criteria provided, single submitter. Criteria: Invitae Variant Classification Sherloc (09022015). Collection method: clinical testing. Allele origin: germline.
Comment: This sequence change replaces leucine, which is neutral and non-polar, with valine, which is neutral and non-polar, at codon 416 of the NEBL protein (p.Leu416Val). This variant is present in population databases (no rsID available, gnomAD 0.02%). This variant has not been reported in the literature in individuals affected with NEBL-related conditions. ClinVar contains an entry for this variant (Variation ID: 1433288). An algorithm developed to predict the effect of missense changes on protein structure and function (PolyPhen-2) suggests that this variant is likely to be disruptive. In summary, the available evidence is currently insufficient to determine the role of this variant in disease. Therefore, it has been classified as a Variant of Uncertain Significance.

Ambry Genetics
Classification: Uncertain significance. Last evaluated: 2024-12-28. Review status: criteria provided, single submitter. Criteria: Ambry Variant Classification Scheme 2023. Collection method: clinical testing. Allele origin: germline.
Comment: The p.L416V variant (also known as c.1246T>G), located in coding exon 13 of the NEBL gene, results from a T to G substitution at nucleotide position 1246. The leucine at codon 416 is replaced by valine, an amino acid with highly similar properties. This amino acid position is conserved. In addition, this alteration is predicted to be tolerated by in silico analysis. Based on the available evidence, the clinical significance of this variant remains unclear.